The following is an entry in ClinVar:

ClinVar aggregate classification (germline): Uncertain significance (1 of 4 stars; one submission).

Conditions:
Xanthinuria type II. Also called: Xanthine dehydrogenase and aldehyde oxidase combined deficiency of; XDH and AOX dual deficiency. Identifiers: Orphanet 3467, Orphanet 93602, MedGen C1863688, MONDO:0011346, OMIM 603592.

Allele frequency attached by ClinVar (database versions not stated): gnomAD exomes 0.00001; ExAC 0.00003.
gnomAD v4.1: 27 of 1,613,784 alleles (0.0017%); highest among the groups gnomAD compares: Middle Eastern, 0.017%; no homozygotes.

Submission:

Labcorp Genetics (formerly Invitae), Labcorp
Classification: Uncertain significance for Xanthinuria type II. Last evaluated: 2022-04-12. Review status: criteria provided, single submitter. Criteria: Invitae Variant Classification Sherloc (09022015). Collection method: clinical testing. Allele origin: germline.
Comment: In summary, the available evidence is currently insufficient to determine the role of this variant in disease. Therefore, it has been classified as a Variant of Uncertain Significance. Algorithms developed to predict the effect of missense changes on protein structure and function are either unavailable or do not agree on the potential impact of this missense change (SIFT: "Deleterious"; PolyPhen-2: "Probably Damaging"; Align-GVGD: "Class C0"). This variant has not been reported in the literature in individuals affected with XDH-related conditions. The frequency data for this variant in the population databases is considered unreliable, as metrics indicate poor data quality at this position in the gnomAD database. This sequence change replaces arginine, which is basic and polar, with tryptophan, which is neutral and slightly polar, at codon 943 of the XDH protein (p.Arg943Trp).

NM_000379.4(XDH):c.2827C>T (p.Arg943Trp)

Gene: XDH (xanthine dehydrogenase; minus strand). Cytogenetic location: 2p23.1.
Variant type: single nucleotide variant.
Coding change: c.2827C>T on transcript NM_000379.4 (MANE Select); coding-DNA position 2827, C replaced by T.
Protein change: p.Arg943Trp; replaces arginine 943 with tryptophan.
Molecular consequence: missense variant.
Genome position (GRCh38, 1-based): chr2:31,349,828, G>A on the plus strand (C>T on the coding strand, the complement: XDH is on the minus strand). VCF-style: chr2-31349828-G-A. GRCh37 (hg19) VCF-style: chr2-31572694-G-A.
Other names: short protein forms R943W.
Identifiers: ClinVar variation 2149167 (VCV002149167.3), dbSNP rs759966525, ClinGen allele CA1598654.
Genomic context (GRCh38, chr2:31,349,828, plus strand): 5'-AACCCTCAAGCTTCTGGTTGAAGTGTGTCAGGTCCCCTTCTTTGTACAGGTTTTTTCTCC[G>A]CACCTTCCCAAGGAGAGAGACACAGAGGCCTTGTTGGCGGCAAGAGACTGTGGGGGCAGG-3'
Protein context (NP_000370.2, residues 933-953): VTCGMPAEEV[Arg943Trp]RKNLYKEGDL